The following is an entry in ClinVar:

ClinVar aggregate classification (germline): Uncertain significance (1 of 4 stars; one submission).

Conditions:
Loeys-Dietz syndrome 2 (LDS2). Also called: AORTIC ANEURYSM, FAMILIAL THORACIC 3; MARFAN SYNDROME, TYPE II; Marfan syndrome, type 2 (formerly); Marfan Syndrome type 2; Marfan like connective tissue disorder; MFS 2. Identifiers: Orphanet 284973, Orphanet 558, MedGen C2674574, MONDO:0012427, OMIM 610168.

Submission:

Labcorp Genetics (formerly Invitae), Labcorp
Classification: Uncertain significance for Loeys-Dietz syndrome 2. Last evaluated: 2022-06-20. Review status: criteria provided, single submitter. Criteria: Invitae Variant Classification Sherloc (09022015). Collection method: clinical testing. Allele origin: germline.
Comment: In summary, the available evidence is currently insufficient to determine the role of this variant in disease. Therefore, it has been classified as a Variant of Uncertain Significance. Algorithms developed to predict the effect of missense changes on protein structure and function are either unavailable or do not agree on the potential impact of this missense change (SIFT: "Tolerated"; PolyPhen-2: "Possibly Damaging"; Align-GVGD: "Class C0"). ClinVar contains an entry for this variant (Variation ID: 1037167). This variant has not been reported in the literature in individuals affected with TMPO-related conditions. This variant is not present in population databases (gnomAD no frequency). This sequence change replaces serine, which is neutral and polar, with tyrosine, which is neutral and polar, at codon 459 of the TMPO protein (p.Ser459Tyr).

NM_001032283.3(TMPO):c.565+1795C>A

Gene: TMPO (thymopoietin; plus strand). Cytogenetic location: 12q23.1.
Variant type: single nucleotide variant.
Coding change: c.565+1795C>A on transcript NM_001032283.3 (MANE Select); 1795 bases into the intron after coding-DNA position 565, C replaced by A.
Molecular consequence: intron variant. On other transcripts: missense variant (1).
Genome position (GRCh38, 1-based): chr12:98,533,633, C>A. VCF-style: chr12-98533633-C-A. GRCh37 (hg19) VCF-style: chr12-98927411-C-A.
Other names: c.1376C>A, p.Ser459Tyr (NM_003276.2); c.565+1795C>A (NM_001307975.2, NM_001032284.3); short protein forms S459Y.
Identifiers: ClinVar variation 1037167 (VCV001037167.9), dbSNP rs1877361719, ClinGen allele CA386153059.